The following is an entry in ClinVar:

ClinVar aggregate classification (germline): Conflicting classifications of pathogenicity. Review status: criteria provided, conflicting classifications (1 of 4 stars). 3 submissions from 3 submitters: Uncertain significance (2); Likely benign (1). Last evaluated 2025-07-21.

Conditions:
Hereditary cancer-predisposing syndrome. Also called: Neoplastic Syndromes, Hereditary; Hereditary Cancer Syndrome; Tumor predisposition; Hereditary neoplastic syndrome. Identifiers: Orphanet 140162, MedGen C0027672, MeSH D009386, MONDO:0015356.

Submissions (3):

Ambry Genetics
Classification: Uncertain significance for Hereditary cancer-predisposing syndrome. Last evaluated: 2025-07-21. Review status: criteria provided, single submitter. Criteria: Ambry Variant Classification Scheme 2023. Collection method: clinical testing. Allele origin: germline.
Comment: The p.C1820G variant (also known as c.5458T>G), located in coding exon 10 of the BRCA2 gene, results from a T to G substitution at nucleotide position 5458. The cysteine at codon 1820 is replaced by glycine, an amino acid with highly dissimilar properties. This amino acid position is not well conserved in available vertebrate species. In addition, this alteration is predicted to be tolerated by in silico analysis. Based on the available evidence, the clinical significance of this variant remains unclear.

University of Washington Department of Laboratory Medicine, University of Washington
Classification: Likely benign for Hereditary cancer-predisposing syndrome. Last evaluated: 2023-03-23. Review status: criteria provided, single submitter. Criteria: Dines et al. (Genet Med. 2020). Collection method: curation. Allele origin: germline.
Comment: Missense variant in a coldspot region where missense variants are very unlikely to be pathogenic (PMID:31911673).

BRCA2 exon 11 coldspot. Reclassification based on statistical prior probability.

Women's Health and Genetics/Laboratory Corporation of America, LabCorp
Classification: Uncertain significance. Last evaluated: 2019-08-27. Review status: criteria provided, single submitter. Criteria: LabCorp Variant Classification Summary - May 2015. Collection method: clinical testing. Allele origin: germline.
Comment: Variant summary: BRCA2 c.5458T>G (p.Cys1820Gly) results in a non-conservative amino acid change in the encoded protein sequence. Three of five in-silico tools predict a benign effect of the variant on protein function. The variant was absent in 251030 control chromosomes (gnomAD). The available data on variant occurrences in the general population are insufficient to allow any conclusion about variant significance. To our knowledge, no occurrence of c.5458T>G in individuals affected with Hereditary Breast and Ovarian Cancer and no experimental evidence demonstrating its impact on protein function have been reported. No submitters have provided clinical-significance assessments for this variant to ClinVar after 2014. Based on the evidence outlined above, the variant was classified as uncertain significance.

NM_000059.4(BRCA2):c.5458T>G (p.Cys1820Gly)

Gene: BRCA2 (BRCA2 DNA repair associated; plus strand). Cytogenetic location: 13q13.1.
Variant type: single nucleotide variant.
Coding change: c.5458T>G on transcript NM_000059.4 (MANE Select); coding-DNA position 5458, T replaced by G.
Protein change: p.Cys1820Gly; replaces cysteine 1820 with glycine.
Molecular consequence: missense variant.
Genome position (GRCh38, 1-based): chr13:32,339,813, T>G. VCF-style: chr13-32339813-T-G. GRCh37 (hg19) VCF-style: chr13-32913950-T-G.
Other names: short protein forms C1820G.
Identifiers: ClinVar variation 928526 (VCV000928526.6), dbSNP rs1566232493, ClinGen allele CA387785628.